The following is an entry in ClinVar:

NM_004360.5(CDH1):c.2558C>G (p.Ser853Ter)

Gene: CDH1 (cadherin 1; plus strand). Cytogenetic location: 16q22.1.
Variant type: single nucleotide variant.
Coding change: c.2558C>G on transcript NM_004360.5 (MANE Select); coding-DNA position 2558, C replaced by G.
Protein change: p.Ser853Ter; replaces serine 853 with a stop codon.
Molecular consequence: nonsense.
Genome position (GRCh38, 1-based): chr16:68,833,408, C>G. VCF-style: chr16-68833408-C-G. GRCh37 (hg19) VCF-style: chr16-68867311-C-G.
Other names: c.2375C>G, p.Ser792Ter (NM_001317184.2); c.1010C>G, p.Ser337Ter (NM_001317185.2); c.593C>G, p.Ser198Ter (NM_001317186.2); short protein forms S198*, S337*, S792*, S853*.
Identifiers: ClinVar variation 3224180 (VCV003224180.1), dbSNP rs569928380, ClinGen allele CA396472447.

ClinVar aggregate classification (germline): Uncertain significance (1 of 4 stars; one submission).

Conditions:
Hereditary cancer-predisposing syndrome. Also called: Tumor predisposition; Hereditary neoplastic syndrome; Hereditary Cancer Syndrome; Neoplastic Syndromes, Hereditary. Identifiers: Orphanet 140162, MedGen C0027672, MeSH D009386, MONDO:0015356.

Submission:

Ambry Genetics
Classification: Uncertain significance for Hereditary cancer-predisposing syndrome. Last evaluated: 2023-12-06. Review status: criteria provided, single submitter. Criteria: Ambry Variant Classification Scheme 2023. Collection method: clinical testing. Allele origin: germline.
Comment: The p.S853* variant (also known as c.2558C>G), located in coding exon 16 of the CDH1 gene, results from a C to G substitution at nucleotide position 2558. This changes the amino acid from a serine to a stop codon within coding exon 16. This alteration occurs at the 3' terminus of theCDH1 gene, is not expected to trigger nonsense-mediated mRNAdecay, and only impacts the last 30 amino acids of the protein. The exact functional effect of this alteration is unknown. Since supporting evidence is limited at this time, the clinical significance of this alteration remains unclear.